The following is an entry in ClinVar:

ClinVar aggregate classification (germline): Uncertain significance (1 of 4 stars; one submission).

Conditions:
Intellectual developmental disorder, autosomal dominant 52. Also called: Intellectual disability, autosomal dominant 52; Mental retardation, autosomal dominant 52. Identifiers: MedGen C4540478, MONDO:0030918, OMIM 617796.

Allele frequency attached by ClinVar (database versions not stated): 1000 Genomes Project 30x 0.00016; 1000 Genomes Project 0.00020.
gnomAD v4.1: 1 of 1,614,206 alleles (0.000062%); highest among the groups gnomAD compares: East Asian, 0.0022%; no homozygotes.

Submission:

Victorian Clinical Genetics Services, Murdoch Childrens Research Institute
Classification: Uncertain significance for Intellectual developmental disorder, autosomal dominant 52. Last evaluated: 2022-03-31. Review status: criteria provided, single submitter. Criteria: ACMG Guidelines, 2015. Collection method: clinical testing. Allele origin: germline. Inheritance: Autosomal dominant inheritance. Affected: yes.
Comment: Based on the classification scheme VCGS_Germline_v1.3.4, this variant is classified as VUS-3A. Following criteria are met: 0102 - Loss of function is a known mechanism of disease in this gene and is associated with ASH1L-related intellectual disability (MIM#617796). (I) 0107 - This gene is associated with autosomal dominant disease. (I) 0200 - Variant is predicted to result in a missense amino acid change from serine to glycine. (I) 0251 - This variant is heterozygous. (I) 0302 - Variant is present in gnomAD (v2) <0.001 for a dominant condition (1 heterozygote, 0 homozygotes). (SP) 0309 - An alternative amino acid change at the same position has been observed in gnomAD (v2) (108 heterozygotes, 0 homozygotes). (I) 0504 - Same amino acid change has been observed in placental mammals. (SB) 0604 - Variant is not located in an established domain, motif, hotspot or informative constraint region. (I) 0705 - No comparable missense variants have previous evidence for pathogenicity. (I) 0807 - This variant has no previous evidence of pathogenicity. (I) 0905 - No published segregation evidence has been identified for this variant. (I) 1007 - No published functional evidence has been identified for this variant. (SP) Legend: (SP) - Supporting pathogenic, (I) - Information, (SB) - Supporting benign

NM_018489.3(ASH1L):c.5260A>G (p.Ser1754Gly)

Gene: ASH1L (ASH1 like histone lysine methyltransferase; minus strand). Cytogenetic location: 1q22.
Variant type: single nucleotide variant.
Coding change: c.5260A>G on transcript NM_018489.3 (MANE Select); coding-DNA position 5260, A replaced by G.
Protein change: p.Ser1754Gly; replaces serine 1754 with glycine.
Molecular consequence: missense variant.
Genome position (GRCh38, 1-based): chr1:155,438,895, T>C on the plus strand (A>G on the coding strand, the complement: ASH1L is on the minus strand). VCF-style: chr1-155438895-T-C. GRCh37 (hg19) VCF-style: chr1-155408686-T-C.
Other names: c.5260A>G, p.Ser1754Gly (NM_001366177.2); short protein forms S1754G.
Identifiers: ClinVar variation 1805393 (VCV001805393.2), dbSNP rs150285216, ClinGen allele CA1146785.